The following is an entry in ClinVar:

ClinVar aggregate classification (germline): Uncertain significance. Review status: criteria provided, multiple submitters, no conflicts (2 of 4 stars). 2 submissions from 2 submitters: Uncertain significance (2). Last evaluated 2025-08-07.

Conditions:
Inborn genetic diseases. Identifiers: MedGen C0950123, MeSH D030342.

Allele frequency attached by ClinVar (database versions not stated): ExAC 0.00002; gnomAD 0.00002; gnomAD exomes 0.00002 and 0.00005; TOPMed 0.00006; ESP Exome Variant Server 0.00008.
gnomAD v4.1: 39 of 1,613,682 alleles (0.0024%); highest among the groups gnomAD compares: African/African-American, 0.0067%; no homozygotes.

Submissions (2):

Ambry Genetics
Classification: Uncertain significance for Inborn genetic diseases. Last evaluated: 2025-08-07. Review status: criteria provided, single submitter. Criteria: Ambry Variant Classification Scheme 2023. Collection method: clinical testing. Allele origin: germline.

Labcorp Genetics (formerly Invitae), Labcorp
Classification: Uncertain significance. Last evaluated: 2023-12-17. Review status: criteria provided, single submitter. Criteria: Invitae Variant Classification Sherloc (09022015). Collection method: clinical testing. Allele origin: germline.
Comment: This sequence change replaces arginine, which is basic and polar, with cysteine, which is neutral and slightly polar, at codon 1895 of the MYO18B protein (p.Arg1895Cys). This variant is present in population databases (rs368617132, gnomAD 0.02%). This variant has not been reported in the literature in individuals affected with MYO18B-related conditions. ClinVar contains an entry for this variant (Variation ID: 1404621). An algorithm developed to predict the effect of missense changes on protein structure and function (PolyPhen-2) suggests that this variant is likely to be disruptive. In summary, the available evidence is currently insufficient to determine the role of this variant in disease. Therefore, it has been classified as a Variant of Uncertain Significance.

NM_032608.7(MYO18B):c.5683C>T (p.Arg1895Cys)

Gene: MYO18B (myosin XVIIIB; plus strand). Cytogenetic location: 22q12.1.
Variant type: single nucleotide variant.
Coding change: c.5683C>T on transcript NM_032608.7 (MANE Select); coding-DNA position 5683, C replaced by T.
Protein change: p.Arg1895Cys; replaces arginine 1895 with cysteine.
Molecular consequence: missense variant.
Genome position (GRCh38, 1-based): chr22:25,947,763, C>T. VCF-style: chr22-25947763-C-T. GRCh37 (hg19) VCF-style: chr22-26343729-C-T.
Other names: c.5683C>T (NM_032608.5); c.5686C>T, p.Arg1896Cys (NM_001318245.2); short protein forms R1896C, R1895C.
Identifiers: ClinVar variation 1404621 (VCV001404621.9), dbSNP rs368617132, ClinGen allele CA10161246.